The following is an entry in ClinVar:

ClinVar aggregate classification (germline): Likely benign. Review status: criteria provided, multiple submitters, no conflicts (2 of 4 stars). 2 submissions from 2 submitters: Likely benign (2). Last evaluated 2024-02-01.

Allele frequency attached by ClinVar (database versions not stated): ExAC 0.00001; gnomAD 0.00001; gnomAD exomes 0.00001; TOPMed 0.00002.
gnomAD v4.1: 15 of 1,598,162 alleles (0.00094%); highest among the groups gnomAD compares: Non-Finnish European, 0.0013%; no homozygotes.

Submissions (2):

CeGaT Center for Human Genetics Tuebingen
Classification: Likely benign. Last evaluated: 2024-02-01. Review status: criteria provided, single submitter. Criteria: CeGaT Center For Human Genetics Tuebingen Variant Classification Criteria Version 2. Collection method: clinical testing. Allele origin: germline. Affected: yes. Observed: 1 variant allele.
Comment: SMARCA2: BP4, BP7

Blueprint Genetics
Classification: Likely benign. Last evaluated: 2020-10-15. Review status: criteria provided, single submitter. Criteria: ACMG Guidelines, 2015. Collection method: clinical testing. Allele origin: germline.

NM_003070.5(SMARCA2):c.2827A>C (p.Arg943=)

Gene: SMARCA2 (SWI/SNF related BAF chromatin remodeling complex subunit ATPase 2; plus strand). Cytogenetic location: 9p24.3.
Variant type: single nucleotide variant.
Coding change: c.2827A>C on transcript NM_003070.5 (MANE Select); coding-DNA position 2827, A replaced by C.
Protein change: p.Arg943=; no amino-acid change (arginine 943 retained).
Molecular consequence: synonymous variant.
Genome position (GRCh38, 1-based): chr9:2,088,557, A>C. VCF-style: chr9-2088557-A-C. GRCh37 (hg19) VCF-style: chr9-2088557-A-C.
Other names: c.2827A>C, p.Arg943= (NM_001289396.2, NM_139045.4); c.2653A>C, p.Arg885= (NM_001289397.2).
Identifiers: ClinVar variation 3026297 (VCV003026297.22), dbSNP rs773392525, ClinGen allele CA4963573.